The following is an entry in ClinVar:

ClinVar aggregate classification (germline): Conflicting classifications of pathogenicity. Review status: criteria provided, conflicting classifications (1 of 4 stars). 4 submissions from 4 submitters: Uncertain significance (3); Likely benign (1). Last evaluated 2026-02-18.

Conditions:
CNGA3-related disorder. Also called: CNGA3-related condition.
Inborn genetic diseases. Identifiers: MedGen C0950123, MeSH D030342.

Allele frequency attached by ClinVar (database versions not stated): gnomAD exomes 0.00002 and 0.00008; ExAC 0.00008; ESP Exome Variant Server 0.00015; TOPMed 0.00024; gnomAD 0.00025; 1000 Genomes Project 0.00040; 1000 Genomes Project 30x 0.00047.
gnomAD v4.1: 73 of 1,614,168 alleles (0.0045%); highest among the groups gnomAD compares: African/African-American, 0.085%; no homozygotes.

Submissions (4):

PreventionGenetics, part of Exact Sciences
Classification: Uncertain significance for CNGA3-related condition. Last evaluated: 2026-02-18. Review status: criteria provided, single submitter. Criteria: ACMG Guidelines, 2015. Collection method: clinical testing. Allele origin: germline.
Comment: The CNGA3 c.307C>T variant is predicted to result in the amino acid substitution p.Arg103Cys. To our knowledge, this variant has not been reported in the literature. This variant is reported in 0.092% of alleles in individuals of African descent in gnomAD. Although we suspect that this variant may be benign, at this time, the clinical significance of this variant is uncertain due to the absence of conclusive functional and genetic evidence.

Labcorp Genetics (formerly Invitae), Labcorp
Classification: Likely benign. Last evaluated: 2025-01-18. Review status: criteria provided, single submitter. Criteria: Invitae Variant Classification Sherloc (09022015). Collection method: clinical testing. Allele origin: germline.

Ambry Genetics
Classification: Uncertain significance for Inborn genetic diseases. Last evaluated: 2024-01-03. Review status: criteria provided, single submitter. Criteria: Ambry Variant Classification Scheme 2023. Collection method: clinical testing. Allele origin: germline.

Blueprint Genetics
Classification: Uncertain significance. Last evaluated: 2023-10-24. Review status: criteria provided, single submitter. Criteria: ACMG Guidelines, 2015. Collection method: clinical testing. Allele origin: germline.

NM_001298.3(CNGA3):c.307C>T (p.Arg103Cys)

Gene: CNGA3 (cyclic nucleotide gated channel subunit alpha 3; plus strand). Cytogenetic location: 2q11.2.
Variant type: single nucleotide variant.
Coding change: c.307C>T on transcript NM_001298.3 (MANE Select); coding-DNA position 307, C replaced by T.
Protein change: p.Arg103Cys; replaces arginine 103 with cysteine.
Molecular consequence: missense variant.
Genome position (GRCh38, 1-based): chr2:98,380,266, C>T. VCF-style: chr2-98380266-C-T. GRCh37 (hg19) VCF-style: chr2-98996729-C-T.
Other names: c.307C>T, p.Arg103Cys (NM_001079878.2); c.307C>T (NM_001298.2); short protein forms R103C.
Identifiers: ClinVar variation 1008438 (VCV001008438.10), dbSNP rs370581927, ClinGen allele CA1793691.
Genomic context (GRCh38, chr2:98,380,266, plus strand): 5'-TGGGCTGCCAGGCATGTGCACCACCAGGACCAGGGACCGGACTCTTTTCCTGATCGTTTC[C>T]GTGGAGCCGAGCTTAAGGAGGTGTCCAGCCAAGAAAGCAATGCCCAGGCAAATGTGGGCA-3'
Protein context (NP_001289.1, residues 93-113): QGPDSFPDRF[Arg103Cys]GAELKEVSSQ